The following is an entry in ClinVar:

ClinVar aggregate classification (germline): Uncertain significance (1 of 4 stars; one submission).

Conditions:
Fanconi anemia (FA). Also called: Fanconi's anemia. Identifiers: Orphanet 84, MedGen C0015625, MeSH D005199, MONDO:0019391.

Submission:

Labcorp Genetics (formerly Invitae), Labcorp
Classification: Uncertain significance for Fanconi anemia. Last evaluated: 2025-02-15. Review status: criteria provided, single submitter. Criteria: Invitae Variant Classification Sherloc (09022015). Collection method: clinical testing. Allele origin: germline.
Comment: This sequence change replaces serine, which is neutral and polar, with leucine, which is neutral and non-polar, at codon 8 of the FANCB protein (p.Ser8Leu). This variant is not present in population databases (gnomAD no frequency). This variant has not been reported in the literature in individuals affected with FANCB-related conditions. ClinVar contains an entry for this variant (Variation ID: 2737083). An algorithm developed to predict the effect of missense changes on protein structure and function (PolyPhen-2) suggests that this variant is likely to be disruptive. In summary, the available evidence is currently insufficient to determine the role of this variant in disease. Therefore, it has been classified as a Variant of Uncertain Significance.

NM_001018113.3(FANCB):c.23C>T (p.Ser8Leu)

Gene: FANCB (FA complementation group B; minus strand). Cytogenetic location: Xp22.2.
Variant type: single nucleotide variant.
Coding change: c.23C>T on transcript NM_001018113.3 (MANE Select); coding-DNA position 23, C replaced by T.
Protein change: p.Ser8Leu; replaces serine 8 with leucine.
Molecular consequence: missense variant. On other transcripts: non-coding transcript variant (1).
Genome position (GRCh38, 1-based): chrX:14,865,488, G>A on the plus strand (C>T on the coding strand, the complement: FANCB is on the minus strand). VCF-style: chrX-14865488-G-A. GRCh37 (hg19) VCF-style: chrX-14883610-G-A.
Other names: c.23C>T, p.Ser8Leu (NM_001324162.2, NM_001410764.1, NM_152633.4); short protein forms S8L.
Identifiers: ClinVar variation 2737083 (VCV002737083.3), dbSNP rs2519014444, ClinGen allele CA412445459.
Genomic context (GRCh38, chrX:14,865,488, plus strand): 5'-GACAACTGGAAAACAAGGACTTCCCCATTATAACACAAGAGCCTTTCTTGTTCGTTAGAT[G>A]ACATTGCTTGTTTGCTAGTCATTCCACAATATCAAGTCTTTGTGCTGATCTAATTTTCAA-3'
Protein context (NP_001018123.1, residues 1-18): MTSKQAM[Ser8Leu]SNEQERLLCY